The following is an entry in ClinVar:

NM_003119.4(SPG7):c.124C>T (p.Pro42Ser)

Genes: SPG7 (SPG7 matrix AAA peptidase subunit, paraplegin; plus strand), LOC130059818 (ATAC-STARR-seq lymphoblastoid silent region 7911; plus strand). Cytogenetic location: 16q24.3.
Variant type: single nucleotide variant.
Coding change: c.124C>T on transcript NM_003119.4 (MANE Select); coding-DNA position 124, C replaced by T.
Protein change: p.Pro42Ser; replaces proline 42 with serine.
Molecular consequence: missense variant.
Genome position (GRCh38, 1-based): chr16:89,508,541, C>T. VCF-style: chr16-89508541-C-T. GRCh37 (hg19) VCF-style: chr16-89574949-C-T.
Other names: c.124C>T, p.Pro42Ser (NM_001363850.1, NM_199367.3); short protein forms P42S.
Identifiers: ClinVar variation 2637491 (VCV002637491.4), dbSNP rs906015686, ClinGen allele CA286519275.
Genomic context (GRCh38, chr16:89,508,541, plus strand): 5'-CTGTGGGGCCCAGGCCCGGCCTGGAGTCCAGGGTTCCCCGCCAGGCCCGGGAGGGGGCGG[C>T]CGTACATGGCCAGCAGGCCTCCGGGGGACCTCGCCGAGGCTGGAGGCCGAGCTCTGCAGG-3'
Protein context (NP_003110.1, residues 32-52): GFPARPGRGR[Pro42Ser]YMASRPPGDL

ClinVar aggregate classification (germline): Uncertain significance. Review status: criteria provided, multiple submitters, no conflicts (2 of 4 stars). 2 submissions from 2 submitters: Uncertain significance (2). Last evaluated 2023-10-26.

Conditions:
Hereditary spastic paraplegia 7 (SPG7). Also called: Autosomal recessive spastic paraplegia type 7; SPASTIC PARAPLEGIA 7, AUTOSOMAL RECESSIVE, WITH OR WITHOUT CEREBELLAR ATAXIA; Spastic paraplegia 7; Hereditary spastic paraplegia Paraplegin type; SPG7-related neurologic disorder. Identifiers: Orphanet 99013, MedGen C1846564, MONDO:0011803, OMIM 607259.

Allele frequency attached by ClinVar (database versions not stated): gnomAD 0.00001; gnomAD exomes 0.00001; TOPMed 0.00003.
gnomAD v4.1: 11 of 1,510,370 alleles (0.00073%); highest among the groups gnomAD compares: African/African-American, 0.0087%; no homozygotes.

Submissions (2):

Women's Health and Genetics/Laboratory Corporation of America, LabCorp
Classification: Uncertain significance. Last evaluated: 2023-10-26. Review status: criteria provided, single submitter. Criteria: LabCorp Variant Classification Summary - May 2015. Collection method: clinical testing. Allele origin: germline.
Comment: Variant summary: SPG7 c.124C>T (p.Pro42Ser) results in a non-conservative amino acid change in the encoded protein sequence. Three of four in-silico tools predict a benign effect of the variant on protein function. The variant allele was found at a frequency of 3.8e-05 in 106018 control chromosomes. The available data on variant occurrences in the general population are insufficient to allow any conclusion about variant significance. To our knowledge, no occurrence of c.124C>T in individuals affected with Hereditary Spastic Paraplegia 7 and no experimental evidence demonstrating its impact on protein function have been reported. No submitters have cited clinical-significance assessments for this variant to ClinVar after 2014. Based on the evidence outlined above, the variant was classified as uncertain significance.

Labcorp Genetics (formerly Invitae), Labcorp
Classification: Uncertain significance for Hereditary spastic paraplegia 7. Last evaluated: 2023-03-20. Review status: criteria provided, single submitter. Criteria: Invitae Variant Classification Sherloc (09022015). Collection method: clinical testing. Allele origin: germline.
Comment: In summary, the available evidence is currently insufficient to determine the role of this variant in disease. Therefore, it has been classified as a Variant of Uncertain Significance. Advanced modeling of protein sequence and biophysical properties (such as structural, functional, and spatial information, amino acid conservation, physicochemical variation, residue mobility, and thermodynamic stability) performed at Invitae indicates that this missense variant is not expected to disrupt SPG7 protein function. This variant has not been reported in the literature in individuals affected with SPG7-related conditions. The frequency data for this variant in the population databases is considered unreliable, as metrics indicate poor data quality at this position in the gnomAD database. This sequence change replaces proline, which is neutral and non-polar, with serine, which is neutral and polar, at codon 42 of the SPG7 protein (p.Pro42Ser).